The following is an entry in ClinVar:

ClinVar aggregate classification (germline): Uncertain significance. Review status: criteria provided, multiple submitters, no conflicts (2 of 4 stars). 6 submissions from 6 submitters: Uncertain significance (6). Last evaluated 2025-05-13.

Conditions:
Cardiomyopathy (CMYO). Also called: Cardiomyopathies. Identifiers: Orphanet 167848, MedGen C0878544, MONDO:0004994, HP:0001638. Inheritance: Various modes of inheritance.
Arrhythmogenic right ventricular cardiomyopathy (ARVD). Also called: Arrhythmogenic cardiomyopathy; Arrhythmogenic Right Ventricular Cardiomyopathy (ARVC); Cardiomyopathy, ARVC; Arrhythmogenic right ventricular dysplasia. Identifiers: Orphanet 247, MedGen C0349788, MeSH D019571, MONDO:0016587. Disease mechanism: loss of function. Inheritance: Various modes of inheritance.
Arrhythmogenic right ventricular dysplasia 10. Also called: Arrhythmogenic right ventricular dysplasia/cardiomyopathy, type 10; Arrhythmogenic Right Ventricular Dysplasia/Cardiomyopathy10; ARRHYTHMOGENIC RIGHT VENTRICULAR DYSPLASIA, FAMILIAL, 10. Identifiers: MedGen C1857777, MONDO:0012434, OMIM 610193.

Allele frequency attached by ClinVar (database versions not stated): gnomAD exomes 0.00001.
gnomAD v4.1: 20 of 1,614,096 alleles (0.0012%); highest among the groups gnomAD compares: East Asian, 0.0045%; no homozygotes.

Submissions (6):

GeneDx
Classification: Uncertain significance. Last evaluated: 2025-05-13. Review status: criteria provided, single submitter. Criteria: GeneDx Variant Classification Process June 2021. Collection method: clinical testing. Allele origin: germline. Affected: yes.
Comment: Not observed at significant frequency in large population cohorts (gnomAD); In silico analysis supports that this missense variant has a deleterious effect on protein structure/function; Has not been previously published as pathogenic or benign to our knowledge

Labcorp Genetics (formerly Invitae), Labcorp
Classification: Uncertain significance for Arrhythmogenic right ventricular dysplasia 10. Last evaluated: 2025-04-28. Review status: criteria provided, single submitter. Criteria: Invitae Variant Classification Sherloc (09022015). Collection method: clinical testing. Allele origin: germline.
Comment: This sequence change replaces glycine, which is neutral and non-polar, with aspartic acid, which is acidic and polar, at codon 385 of the DSG2 protein (p.Gly385Asp). This variant is not present in population databases (gnomAD no frequency). This variant has not been reported in the literature in individuals affected with DSG2-related conditions. ClinVar contains an entry for this variant (Variation ID: 179261). Invitae Evidence Modeling of protein sequence and biophysical properties (such as structural, functional, and spatial information, amino acid conservation, physicochemical variation, residue mobility, and thermodynamic stability) has been performed for this missense variant. However, the output from this modeling did not meet the statistical confidence thresholds required to predict the impact of this variant on DSG2 protein function. In summary, the available evidence is currently insufficient to determine the role of this variant in disease. Therefore, it has been classified as a Variant of Uncertain Significance.

ARUP Laboratories, Molecular Genetics and Genomics, ARUP Laboratories
Classification: Uncertain significance. Last evaluated: 2024-05-30. Review status: criteria provided, single submitter. Criteria: ARUP Molecular Germline Variant Investigation Process 2024. Collection method: clinical testing. Allele origin: germline.
Comment: The DSG2 c.1154G>A; p.Gly385Asp variant (rs727504748), to our knowledge, is not reported in the medical literature but is reported in ClinVar (Variation ID: 179261). This variant is absent from the Genome Aggregation Database (v2.1.1), indicating it is not a common polymorphism. Computational analyses are uncertain whether this variant is neutral or deleterious (REVEL: 0.46). Due to limited information, the clinical significance of this variant is uncertain at this time.

All of Us Research Program, National Institutes of Health
Classification: Uncertain significance for Arrhythmogenic right ventricular cardiomyopathy. Last evaluated: 2023-11-02. Review status: criteria provided, single submitter. Criteria: ACMG Guidelines, 2015. Collection method: clinical testing. Allele origin: germline. Inheritance: Autosomal dominant inheritance. Observed: 2 variant alleles, 2 heterozygotes.
Comment: This missense variant replaces glycine with aspartic acid at codon 385 of the DSG2 protein. Computational prediction suggests that this variant may not impact protein structure and function (internally defined REVEL score threshold <= 0.5, PMID: 27666373). Splice site prediction tools suggest that this variant may not impact RNA splicing. To our knowledge, functional studies have not been performed for this variant. This variant has not been reported in individuals affected with cardiovascular disorders in the literature. This variant has not been identified in the general population by the Genome Aggregation Database (gnomAD). The available evidence is insufficient to determine the role of this variant in disease conclusively. Therefore, this variant is classified as a Variant of Uncertain Significance.

This study involves interpretation of variants in research participants for the purpose of population health screening. Participant phenotype was not available at the time of variant classification. Additional details can be found in publication PMID: 35346344, PMCID: PMC8962531

Color Diagnostics, LLC DBA Color Health
Classification: Uncertain significance for Cardiomyopathy. Last evaluated: 2023-06-28. Review status: criteria provided, single submitter. Criteria: ACMG Guidelines, 2015. Collection method: clinical testing. Allele origin: germline.
Comment: This missense variant replaces glycine with aspartic acid at codon 385 of the DSG2 protein. Computational prediction suggests that this variant may not impact protein structure and function (internally defined REVEL score threshold <= 0.5, PMID: 27666373). To our knowledge, functional studies have not been reported for this variant. This variant has not been reported in individuals affected with DSG2-related disorders in the literature. This variant has not been identified in the general population by the Genome Aggregation Database (gnomAD). The available evidence is insufficient to determine the role of this variant in disease conclusively. Therefore, this variant is classified as a Variant of Uncertain Significance.

Laboratory for Molecular Medicine, Mass General Brigham Personalized Medicine
Classification: Uncertain significance. Last evaluated: 2013-09-27. Review status: criteria provided, single submitter. Criteria: LMM Criteria. Collection method: clinical testing. Allele origin: germline. Observed: 1 variant allele.
Comment: The Gly385Asp variant in DSG2 has not been reported in individuals with cardiomy opathy or in large population studies. Computational analysis (biochemical amino acid properties, conservation, AlignGVGD, PolyPhen2, and SIFT) suggest that the Gly385Asp variant may impact the protein, though this information is not predic tive enough to determine pathogenicity. Additional information is needed to full y assess the clinical significance of this variant.

NM_001943.5(DSG2):c.1154G>A (p.Gly385Asp)

Gene: DSG2 (desmoglein 2; plus strand). Cytogenetic location: 18q12.1.
Variant type: single nucleotide variant.
Coding change: c.1154G>A on transcript NM_001943.5 (MANE Select); coding-DNA position 1154, G replaced by A.
Protein change: p.Gly385Asp; replaces glycine 385 with aspartic acid.
Molecular consequence: missense variant.
Genome position (GRCh38, 1-based): chr18:31,531,126, G>A. VCF-style: chr18-31531126-G-A. GRCh37 (hg19) VCF-style: chr18-29111089-G-A.
Other names: short protein forms G385D.
Identifiers: ClinVar variation 179261 (VCV000179261.17), dbSNP rs727504748, ClinGen allele CA021287.
Genomic context (GRCh38, chr18:31,531,126, plus strand): 5'-GGAGTAAATACAAGCCTACACCCATTCCCATCAAGGTCAAAGTGAAAAATGTGAAAGAAG[G>A]CATTCATTTTAAAAGCAGCGTCATCTCAATTTATGTTAGCGAGAGCATGGATAGATCAAG-3'
Protein context (NP_001934.2, residues 375-395): IKVKVKNVKE[Gly385Asp]IHFKSSVISI